The following is an entry in ClinVar:

NM_015202.5(KATNIP):c.19C>T (p.Arg7Ter)

Gene: KATNIP (katanin interacting protein; plus strand). Cytogenetic location: 16p12.1.
Variant type: single nucleotide variant.
Coding change: c.19C>T on transcript NM_015202.5 (MANE Select); coding-DNA position 19, C replaced by T.
Protein change: p.Arg7Ter; replaces arginine 7 with a stop codon.
Molecular consequence: nonsense.
Genome position (GRCh38, 1-based): chr16:27,573,912, C>T. VCF-style: chr16-27573912-C-T. GRCh37 (hg19) VCF-style: chr16-27585233-C-T.
Other names: short protein forms R7*.
Identifiers: ClinVar variation 3251831 (VCV003251831.4), dbSNP rs774261860.

ClinVar aggregate classification (germline): Pathogenic/Likely pathogenic. Review status: criteria provided, multiple submitters, no conflicts (2 of 4 stars). 3 submissions from 3 submitters: Pathogenic (2); Likely pathogenic (1). Last evaluated 2024-12-09.

Conditions:
KATNIP & KIAA0556-related disorders.
Joubert syndrome 26 (JBTS26). Identifiers: Orphanet 475, MedGen C4084843, MONDO:0014771, OMIM 616784.

Allele frequency attached by ClinVar (database versions not stated): gnomAD 0.00001; TOPMed 0.00003; ExAC 0.00004; gnomAD exomes 0.00004.

Submissions (3):

Labcorp Genetics (formerly Invitae), Labcorp
Classification: Pathogenic. Last evaluated: 2024-12-09. Review status: criteria provided, single submitter. Criteria: Invitae Variant Classification Sherloc (09022015). Collection method: clinical testing. Allele origin: germline.
Comment: This sequence change creates a premature translational stop signal (p.Arg7*) in the KIAA0556 gene. It is expected to result in an absent or disrupted protein product. Loss-of-function variants in KIAA0556 are known to be pathogenic (PMID: 26714646, 27245168). This variant is present in population databases (rs774261860, gnomAD 0.006%). This variant has not been reported in the literature in individuals affected with KIAA0556-related conditions. ClinVar contains an entry for this variant (Variation ID: 3251831). For these reasons, this variant has been classified as Pathogenic.

Blueprint Genetics
Classification: Likely pathogenic for KATNIP & KIAA0556-related disorders. Last evaluated: 2024-09-26. Review status: criteria provided, single submitter. Criteria: ACMG Guidelines, 2015. Collection method: clinical testing. Allele origin: germline. Affected: yes. Observed: 5 variant alleles.

Women's Health and Genetics/Laboratory Corporation of America, LabCorp
Classification: Pathogenic for Joubert syndrome 26. Last evaluated: 2024-04-19. Review status: criteria provided, single submitter. Criteria: LabCorp Variant Classification Summary - May 2015. Collection method: clinical testing. Allele origin: germline.
Comment: Variant summary: KATNIP c.19C>T (p.Arg7X) results in a premature termination codon, predicted to cause a truncation of the encoded protein or absence of the protein due to nonsense mediated decay, which are commonly known mechanisms for disease. The variant allele was found at a frequency of 3.5e-05 in 1606984 control chromosomes (gnomAD v4.0). To our knowledge, no occurrence of c.19C>T in individuals affected with Joubert Syndrome 26 and no experimental evidence demonstrating its impact on protein function have been reported. No submitters have cited clinical-significance assessments for this variant to ClinVar. Based on the evidence outlined above, the variant was classified as pathogenic.

Literature cited by the submitters: PubMed 26714646 (cited by Labcorp Genetics (formerly Invitae), Labcorp); PubMed 27245168 (cited by Labcorp Genetics (formerly Invitae), Labcorp).